The following is an entry in ClinVar:

NM_212482.4(FN1):c.6321A>C (p.Thr2107=)

Gene: FN1 (fibronectin 1; minus strand). Cytogenetic location: 2q35.
Variant type: single nucleotide variant.
Coding change: c.6321A>C on transcript NM_212482.4 (MANE Select); coding-DNA position 6321, A replaced by C.
Protein change: p.Thr2107=; no amino-acid change (threonine 2107 retained).
Molecular consequence: synonymous variant. On other transcripts: intron variant (3), splice acceptor variant (6).
Genome position (GRCh38, 1-based): chr2:215,372,302, T>G on the plus strand (A>C on the coding strand, the complement: FN1 is on the minus strand). VCF-style: chr2-215372302-T-G. GRCh37 (hg19) VCF-style: chr2-216237025-T-G.
Other names: c.6321A>C, p.Thr2107= (NM_001306129.2); c.5778A>C, p.Thr1926= (NM_001306131.2, NM_212476.3); c.6051A>C, p.Thr2017= (NM_001365517.2, NM_001365521.2); c.6048A>C, p.Thr2016= (NM_001365518.2, NM_002026.4); c.5705-287A>C (NM_212474.3); c.5705-2A>C (NM_001306132.2, NM_001365523.2); c.5975-287A>C (NM_001365524.2); c.5975-2A>C (NM_212478.3, NM_001365520.2); and 3 more.
Identifiers: ClinVar variation 3045898 (VCV003045898.6), dbSNP rs774228554, ClinGen allele CA2093867.

ClinVar aggregate classification (germline): Conflicting classifications of pathogenicity. Review status: criteria provided, conflicting classifications (1 of 4 stars). 4 submissions from 4 submitters: Uncertain significance (1); Likely benign (2). 1 of the submissions does not count toward it. Last evaluated 2025-11-13.

Conditions:
Inborn genetic diseases. Identifiers: MedGen C0950123, MeSH D030342.
Glomerulopathy with fibronectin deposits 2 (GFND2). Identifiers: Orphanet 84090, MedGen C1866075, MONDO:0011165, OMIM 601894.
Spondylometaphyseal dysplasia - Sutcliffe type. Also called: Sutcliffe type of spondylometaphyseal dysplasia; Sutcliffe SMD; Spondylometaphyseal Dysplasia, Corner Fracture Type; Spondylometaphyseal dysplasia, 'corner fracture' type. Identifiers: Orphanet 93315, MedGen C0432221, MONDO:0008479, OMIM 184255.
FN1-related disorder. Also called: FN1-related condition.

Allele frequency attached by ClinVar (database versions not stated): gnomAD 0.00002; TOPMed 0.00002; ExAC 0.00004.
gnomAD v4.1: 42 of 1,614,048 alleles (0.0026%); highest among the groups gnomAD compares: Non-Finnish European, 0.0035%; no homozygotes.

Submissions (4):

Ambry Genetics
Classification: Likely benign for Inborn genetic diseases. Last evaluated: 2025-11-13. Review status: criteria provided, single submitter. Criteria: Ambry Variant Classification Scheme 2023. Collection method: clinical testing. Allele origin: germline.

Labcorp Genetics (formerly Invitae), Labcorp
Classification: Likely benign. Last evaluated: 2024-08-02. Review status: criteria provided, single submitter. Criteria: Invitae Variant Classification Sherloc (09022015). Collection method: clinical testing. Allele origin: germline.

Fulgent Genetics
Classification: Uncertain significance for Spondylometaphyseal dysplasia - Sutcliffe type; Glomerulopathy with fibronectin deposits 2. Last evaluated: 2024-03-13. Review status: criteria provided, single submitter. Criteria: ACMG Guidelines, 2015. Collection method: clinical testing. Allele origin: germline.

PreventionGenetics, part of Exact Sciences
Classification: Likely benign for FN1-related condition. Last evaluated: 2019-11-12. Review status: no assertion criteria provided. Collection method: clinical testing. Allele origin: germline. Not counted in ClinVar's aggregate classification.
Comment: This variant is classified as likely benign based on ACMG/AMP sequence variant interpretation guidelines (Richards et al. 2015 PMID: 25741868, with internal and published modifications).